The following is an entry in ClinVar:

ClinVar aggregate classification (germline): Uncertain significance (1 of 4 stars; one submission).

Submission:

Athena Diagnostics
Classification: Uncertain significance. Last evaluated: 2023-08-24. Review status: criteria provided, single submitter. Criteria: Athena Diagnostics Criteria. Collection method: clinical testing. Allele origin: unknown.
Comment: Available data are insufficient to determine the clinical significance of the variant at this time. This variant has not been reported in large, multi-ethnic general populations. Computational tools yielded predictions that this variant is unlikely to have an effect on normal RNA splicing.

NM_173500.4(TTBK2):c.1200T>C (p.Ala400=)

Gene: TTBK2 (tau tubulin kinase 2; minus strand). Cytogenetic location: 15q15.2.
Variant type: single nucleotide variant.
Coding change: c.1200T>C on transcript NM_173500.4 (MANE Select); coding-DNA position 1200, T replaced by C.
Protein change: p.Ala400=; no amino-acid change (alanine 400 retained).
Molecular consequence: synonymous variant.
Genome position (GRCh38, 1-based): chr15:42,777,240, A>G on the plus strand (T>C on the coding strand, the complement: TTBK2 is on the minus strand). VCF-style: chr15-42777240-A-G. GRCh37 (hg19) VCF-style: chr15-43069438-A-G.
Identifiers: ClinVar variation 2684070 (VCV002684070.1), dbSNP rs2506567863, ClinGen allele CA489893054.